The following is an entry in ClinVar:

NM_138691.3(TMC1):c.2076C>G (p.Ile692Met)

Gene: TMC1 (transmembrane channel like 1; plus strand). Cytogenetic location: 9q21.13.
Variant type: single nucleotide variant.
Coding change: c.2076C>G on transcript NM_138691.3 (MANE Select); coding-DNA position 2076, C replaced by G.
Protein change: p.Ile692Met; replaces isoleucine 692 with methionine.
Molecular consequence: missense variant.
Genome position (GRCh38, 1-based): chr9:72,826,941, C>G. VCF-style: chr9-72826941-C-G. GRCh37 (hg19) VCF-style: chr9-75441857-C-G.
Other names: short protein forms I692M.
Identifiers: ClinVar variation 4075594 (VCV004075594.1).

ClinVar aggregate classification (germline): Uncertain significance (1 of 4 stars; one submission).

gnomAD v4.1: 17 of 1,614,094 alleles (0.0011%); highest among the groups gnomAD compares: Non-Finnish European, 0.0014%; no homozygotes.

Submission:

GeneDx
Classification: Uncertain significance. Last evaluated: 2025-02-16. Review status: criteria provided, single submitter. Criteria: GeneDx Variant Classification Process June 2021. Collection method: clinical testing. Allele origin: germline. Affected: yes.
Comment: Not observed at significant frequency in large population cohorts (gnomAD); In silico analysis indicates that this missense variant does not alter protein structure/function; Has not been previously published as pathogenic or benign to our knowledge